The following is an entry in ClinVar:

NM_001040108.2(MLH3):c.1540A>G (p.Thr514Ala)

Gene: MLH3 (mutL homolog 3; minus strand). Cytogenetic location: 14q24.3.
Variant type: single nucleotide variant.
Coding change: c.1540A>G on transcript NM_001040108.2 (MANE Select); coding-DNA position 1540, A replaced by G.
Protein change: p.Thr514Ala; replaces threonine 514 with alanine.
Molecular consequence: missense variant.
Genome position (GRCh38, 1-based): chr14:75,048,116, T>C on the plus strand (A>G on the coding strand, the complement: MLH3 is on the minus strand). VCF-style: chr14-75048116-T-C. GRCh37 (hg19) VCF-style: chr14-75514819-T-C.
Other names: c.1540A>G, p.Thr514Ala (NM_014381.3); short protein forms T514A.
Identifiers: ClinVar variation 5024642 (VCV005024642.1).

ClinVar aggregate classification (germline): Uncertain significance (1 of 4 stars; one submission).

Submission:

Ambry Genetics
Classification: Uncertain significance. Last evaluated: 2026-08-31. Review status: criteria provided, single submitter. Criteria: Ambry Variant Classification Scheme 2023. Collection method: clinical testing. Allele origin: germline.
Comment: The p.T514A variant (also known as c.1540A>G), located in coding exon 1 of the MLH3 gene, results from an A to G substitution at nucleotide position 1540. The threonine at codon 514 is replaced by alanine, an amino acid with similar properties. This amino acid position is conserved. In addition, this alteration is predicted to be tolerated by in silico analysis. Based on the available evidence, the clinical significance of this variant remains unclear.